The following is an entry in ClinVar:

NM_000316.3(PTH1R):c.876G>T (p.Leu292=)

Gene: PTH1R (parathyroid hormone 1 receptor; plus strand). Cytogenetic location: 3p21.31.
Variant type: single nucleotide variant.
Coding change: c.876G>T on transcript NM_000316.3 (MANE Select); coding-DNA position 876, G replaced by T.
Protein change: p.Leu292=; no amino-acid change (leucine 292 retained).
Molecular consequence: synonymous variant.
Genome position (GRCh38, 1-based): chr3:46,899,344, G>T. VCF-style: chr3-46899344-G-T. GRCh37 (hg19) VCF-style: chr3-46940834-G-T.
Other names: c.876G>T, p.Leu292= (NM_001184744.1).
Identifiers: ClinVar variation 345591 (VCV000345591.5), dbSNP rs200475872, ClinGen allele CA2359339.

ClinVar aggregate classification (germline): Conflicting classifications of pathogenicity. Review status: criteria provided, conflicting classifications (1 of 4 stars). 2 submissions from 1 submitter: Uncertain significance (1); Likely benign (1). Last evaluated 2018-01-13.

Conditions:
Metaphyseal chondrodysplasia, Jansen type. Also called: Metaphyseal chondrodysplasia Murk Jansen type; PTH1R-Related Jansen Metaphyseal Chondrodysplasia. Identifiers: Orphanet 33067, MedGen C0265295, MONDO:0007982, OMIM 156400.
Chondrodysplasia Blomstrand type (BOCD). Identifiers: Orphanet 50945, MedGen C1859148, MONDO:0008970, OMIM 215045.

Allele frequency attached by ClinVar (database versions not stated): TOPMed 0.00002; gnomAD 0.00005 and 0.00006; gnomAD exomes 0.00005 and 0.00012; ExAC 0.00010.
gnomAD v4.1: 82 of 1,613,924 alleles (0.0051%); highest among the groups gnomAD compares: Non-Finnish European, 0.0012%; no homozygotes.

Submissions (2):

Illumina Laboratory Services, Illumina
Classification: Uncertain significance for Chondrodysplasia Blomstrand type. Last evaluated: 2018-01-13. Review status: criteria provided, single submitter. Criteria: ICSL Variant Classification Criteria 13 December 2019. Collection method: clinical testing. Allele origin: germline.

Illumina Laboratory Services, Illumina
Classification: Likely benign for Metaphyseal chondrodysplasia, Jansen type. Last evaluated: 2018-01-13. Review status: criteria provided, single submitter. Criteria: ICSL Variant Classification Criteria 13 December 2019. Collection method: clinical testing. Allele origin: germline.
Comment: This variant was observed in the ICSL laboratory as part of a predisposition screen in an ostensibly healthy population. It had not been previously curated by ICSL or reported in the Human Gene Mutation Database (HGMD: prior to June 1st, 2018), and was therefore a candidate for classification through an automated scoring system. Utilizing variant allele frequency, disease prevalence and penetrance estimates, and inheritance mode, an automated score was calculated to assess if this variant is too frequent to cause the disease. Based on the score and internal cut-off values, a variant classified as likely benign is not then subjected to further curation. The score for this variant resulted in a classification of likely benign for this disease.